The following is an entry in ClinVar:

NM_001267550.2(TTN):c.21415T>G (p.Phe7139Val)

Genes: TTN (titin; minus strand), LOC126806428 (BRD4-independent group 4 enhancer GRCh37_chr2:179588362-179589561; plus strand). Cytogenetic location: 2q31.2.
Variant type: single nucleotide variant.
Coding change: c.21415T>G on transcript NM_001267550.2 (MANE Select); coding-DNA position 21415, T replaced by G.
Protein change: p.Phe7139Val; replaces phenylalanine 7139 with valine.
Molecular consequence: missense variant. On other transcripts: intron variant (3).
Genome position (GRCh38, 1-based): chr2:178,723,685, A>C on the plus strand (T>G on the coding strand, the complement: TTN is on the minus strand). VCF-style: chr2-178723685-A-C. GRCh37 (hg19) VCF-style: chr2-179588412-A-C.
Other names: c.20464T>G, p.Phe6822Val (NM_001256850.1); c.17683T>G, p.Phe5895Val (NM_133378.4); c.13282+14397T>G (NM_003319.4); c.13858+14397T>G (NM_133437.4); c.13657+14397T>G (NM_133432.3); short protein forms F5895V, F6822V, F7139V.
Identifiers: ClinVar variation 3903306 (VCV003903306.1).

ClinVar aggregate classification (germline): Uncertain significance (1 of 4 stars; one submission).

Submission:

GeneDx
Classification: Uncertain significance. Last evaluated: 2024-12-10. Review status: criteria provided, single submitter. Criteria: GeneDx Variant Classification Process June 2021. Collection method: clinical testing. Allele origin: germline. Affected: yes.
Comment: Not observed at significant frequency in large population cohorts (gnomAD); Missense variant in a gene in which most reported pathogenic variants are truncating/loss of function; Has not been previously published as pathogenic or benign to our knowledge